The following is an entry in ClinVar:

ClinVar aggregate classification (germline): Uncertain significance (1 of 4 stars; one submission).

Conditions:
Familial melanoma. Also called: Hereditary melanoma; Hereditary cutaneous melanoma. Identifiers: Orphanet 618, MedGen C1512419, MONDO:0018961.

Submission:

Labcorp Genetics (formerly Invitae), Labcorp
Classification: Uncertain significance for Familial melanoma. Last evaluated: 2024-04-17. Review status: criteria provided, single submitter. Criteria: Invitae Variant Classification Sherloc (09022015). Collection method: clinical testing. Allele origin: germline.
Comment: This sequence change replaces tyrosine, which is neutral and polar, with serine, which is neutral and polar, at codon 165 of the CDK4 protein (p.Tyr165Ser). This variant is not present in population databases (gnomAD no frequency). This variant has not been reported in the literature in individuals affected with CDK4-related conditions. An algorithm developed to predict the effect of missense changes on protein structure and function (PolyPhen-2) suggests that this variant is likely to be disruptive. In summary, the available evidence is currently insufficient to determine the role of this variant in disease. Therefore, it has been classified as a Variant of Uncertain Significance.

NM_000075.4(CDK4):c.494A>C (p.Tyr165Ser)

Gene: CDK4 (cyclin dependent kinase 4; minus strand). Cytogenetic location: 12q14.1.
Variant type: single nucleotide variant.
Coding change: c.494A>C on transcript NM_000075.4 (MANE Select); coding-DNA position 494, A replaced by C.
Protein change: p.Tyr165Ser; replaces tyrosine 165 with serine.
Molecular consequence: missense variant.
Genome position (GRCh38, 1-based): chr12:57,750,951, T>G on the plus strand (A>C on the coding strand, the complement: CDK4 is on the minus strand). VCF-style: chr12-57750951-T-G. GRCh37 (hg19) VCF-style: chr12-58144734-T-G.
Other names: short protein forms Y165S.
Identifiers: ClinVar variation 3650162 (VCV003650162.2).
Genomic context (GRCh38, chr12:57,750,951, plus strand): 5'-AGAACCCATTTTGGTACCATCTTTCTACTGACCACGGGTGTAAGTGCCATCTGGTAGCTG[T>G]AGATTCTGGCCAGGCCAAAGTCAGCCAGCTTGACTGTTCCACCACTTGTCACCAGAATGT-3'
Protein context (NP_000066.1, residues 155-175): KLADFGLARI[Tyr165Ser]SYQMALTPVV